The following is an entry in ClinVar:

NM_014159.7(SETD2):c.2342C>T (p.Thr781Met)

Gene: SETD2 (SET domain containing 2, histone lysine methyltransferase; minus strand). Cytogenetic location: 3p21.31.
Variant type: single nucleotide variant.
Coding change: c.2342C>T on transcript NM_014159.7 (MANE Select); coding-DNA position 2342, C replaced by T.
Protein change: p.Thr781Met; replaces threonine 781 with methionine.
Molecular consequence: missense variant. On other transcripts: non-coding transcript variant (1).
Genome position (GRCh38, 1-based): chr3:47,122,294, G>A on the plus strand (C>T on the coding strand, the complement: SETD2 is on the minus strand). VCF-style: chr3-47122294-G-A. GRCh37 (hg19) VCF-style: chr3-47163784-G-A.
Other names: c.2210C>T, p.Thr737Met (NM_001349370.3); short protein forms T737M, T781M.
Identifiers: ClinVar variation 1698059 (VCV001698059.4), dbSNP rs1313153861, ClinGen allele CA352526792.
Genomic context (GRCh38, chr3:47,122,294, plus strand): 5'-TTGCTATCGTTCAAAGTACAGTATATGTCTGAATCTTTGGTTTTGCAGCAAGAAACCCTC[G>A]TATCAACTGGTTCTTTAACTACTGTTTTGGAATAATCCACAGTCATAACTGGCATAGACA-3'
Protein context (NP_054878.5, residues 771-791): SKTVVKEPVD[Thr781Met]RVSCCKTKDS

ClinVar aggregate classification (germline): Uncertain significance. Review status: criteria provided, multiple submitters, no conflicts (2 of 4 stars). 2 submissions from 2 submitters: Uncertain significance (2). Last evaluated 2025-01-19.

Conditions:
Luscan-Lumish syndrome. Identifiers: Orphanet 597738, MedGen C4085873, MONDO:0014791, OMIM 616831.

Allele frequency attached by ClinVar (database versions not stated): TOPMed below 0.00001; gnomAD 0.00001.
gnomAD v4.1: 29 of 1,613,940 alleles (0.0018%); highest among the groups gnomAD compares: South Asian, 0.0077%; no homozygotes.

Submissions (2):

Labcorp Genetics (formerly Invitae), Labcorp
Classification: Uncertain significance for Luscan-Lumish syndrome. Last evaluated: 2025-01-19. Review status: criteria provided, single submitter. Criteria: Invitae Variant Classification Sherloc (09022015). Collection method: clinical testing. Allele origin: germline.
Comment: This sequence change replaces threonine, which is neutral and polar, with methionine, which is neutral and non-polar, at codon 781 of the SETD2 protein (p.Thr781Met). This variant is present in population databases (no rsID available, gnomAD 0.006%). This variant has not been reported in the literature in individuals affected with SETD2-related conditions. ClinVar contains an entry for this variant (Variation ID: 1698059). Invitae Evidence Modeling of protein sequence and biophysical properties (such as structural, functional, and spatial information, amino acid conservation, physicochemical variation, residue mobility, and thermodynamic stability) indicates that this missense variant is not expected to disrupt SETD2 protein function with a negative predictive value of 80%. In summary, the available evidence is currently insufficient to determine the role of this variant in disease. Therefore, it has been classified as a Variant of Uncertain Significance.

GeneDx
Classification: Uncertain significance. Last evaluated: 2022-01-25. Review status: criteria provided, single submitter. Criteria: GeneDx Variant Classification Process June 2021. Collection method: clinical testing. Allele origin: germline. Affected: yes.
Comment: Has not been previously published as pathogenic or benign to our knowledge; Not observed at significant frequency in large population cohorts (gnomAD); In silico analysis supports that this missense variant does not alter protein structure/function